The following is an entry in ClinVar:

NM_002769.5(PRSS1):c.486T>A (p.Asp162Glu)

Genes: TRB (T cell receptor beta locus; plus strand), PRSS1 (serine protease 1; plus strand). Cytogenetic location: 7q34.
Variant type: single nucleotide variant.
Coding change: c.486T>A on transcript NM_002769.5 (MANE Select); coding-DNA position 486, T replaced by A.
Protein change: p.Asp162Glu; replaces aspartic acid 162 with glutamic acid.
Molecular consequence: missense variant.
Genome position (GRCh38, 1-based): chr7:142,752,462, T>A. VCF-style: chr7-142752462-T-A. GRCh37 (hg19) VCF-style: chr7-142460313-T-A.
Other names: short protein forms D162E.
Identifiers: ClinVar variation 1025047 (VCV001025047.10), dbSNP rs6666, ClinGen allele CA369609493.

ClinVar aggregate classification (germline): Uncertain significance. Review status: criteria provided, multiple submitters, no conflicts (2 of 4 stars). 2 submissions from 2 submitters: Uncertain significance (2). Last evaluated 2024-07-08.

Conditions:
Hereditary pancreatitis (PCTT). Also called: Hereditary chronic pancreatitis; PRSS1-Related Hereditary Pancreatitis. Identifiers: Orphanet 676, MedGen C0238339, MONDO:0008185, OMIM 167800.

gnomAD v4.1: 7 of 1,599,374 alleles (0.00044%); highest among the groups gnomAD compares: Non-Finnish European, 0.0006%; no homozygotes.

Submissions (2):

Labcorp Genetics (formerly Invitae), Labcorp
Classification: Uncertain significance for Hereditary pancreatitis. Last evaluated: 2024-07-08. Review status: criteria provided, single submitter. Criteria: Invitae Variant Classification Sherloc (09022015). Collection method: clinical testing. Allele origin: germline.
Comment: This sequence change replaces aspartic acid, which is acidic and polar, with glutamic acid, which is acidic and polar, at codon 162 of the PRSS1 protein (p.Asp162Glu). This variant is not present in population databases (gnomAD no frequency). This variant has not been reported in the literature in individuals affected with PRSS1-related conditions. ClinVar contains an entry for this variant (Variation ID: 1025047). Advanced modeling of protein sequence and biophysical properties (such as structural, functional, and spatial information, amino acid conservation, physicochemical variation, residue mobility, and thermodynamic stability) performed at Invitae indicates that this missense variant is not expected to disrupt PRSS1 protein function with a negative predictive value of 80%. In summary, the available evidence is currently insufficient to determine the role of this variant in disease. Therefore, it has been classified as a Variant of Uncertain Significance.

Ambry Genetics
Classification: Uncertain significance for Hereditary pancreatitis. Last evaluated: 2024-01-31. Review status: criteria provided, single submitter. Criteria: Ambry Variant Classification Scheme 2023. Collection method: clinical testing. Allele origin: germline.
Comment: The p.D162E variant (also known as c.486T>A), located in coding exon 4 of the PRSS1 gene, results from a T to A substitution at nucleotide position 486. The aspartic acid at codon 162 is replaced by glutamic acid, an amino acid with highly similar properties. This amino acid position is conserved. In addition, this alteration is predicted to be tolerated by in silico analysis. Since supporting evidence is limited at this time, the clinical significance of this alteration remains unclear.